The following is an entry in ClinVar:

NM_001394062.1(MACF1):c.2320G>A (p.Glu774Lys)

Gene: MACF1 (microtubule actin crosslinking factor 1; plus strand). Cytogenetic location: 1p34.3.
Variant type: single nucleotide variant.
Coding change: c.2320G>A on transcript NM_001394062.1 (MANE Select); coding-DNA position 2320, G replaced by A.
Protein change: p.Glu774Lys; replaces glutamic acid 774 with lysine.
Molecular consequence: missense variant.
Genome position (GRCh38, 1-based): chr1:39,295,847, G>A. VCF-style: chr1-39295847-G-A. GRCh37 (hg19) VCF-style: chr1-39761519-G-A.
Other names: c.2335G>A, p.Glu779Lys (NM_012090.5); short protein forms E774K, E779K.
Identifiers: ClinVar variation 3376030 (VCV003376030.2).
Genomic context (GRCh38, chr1:39,295,847, plus strand): 5'-GCTTACAGTGCTGCTGTCCAGTCCCAGTTGCAGTGGATGAAGCAGCTGTGCCTGTGTGTT[G>A]AGCAGCATGTGAAAGAGAATACTGCTTATTTTCAGGTGTGATGGATTTCTGTGTTTGTGT-3'
Protein context (NP_001380991.1, residues 764-784): QWMKQLCLCV[Glu774Lys]QHVKENTAYF

ClinVar aggregate classification (germline): Uncertain significance (1 of 4 stars; one submission).

Submission:

GeneDx
Classification: Uncertain significance. Last evaluated: 2025-03-17. Review status: criteria provided, single submitter. Criteria: GeneDx Variant Classification Process June 2021. Collection method: clinical testing. Allele origin: germline.
Comment: Not observed at significant frequency in large population cohorts (gnomAD); In silico analysis supports that this missense variant has a deleterious effect on protein structure/function; Has not been previously published as pathogenic or benign to our knowledge